The following is an entry in ClinVar:

ClinVar aggregate classification (germline): Uncertain significance. Review status: criteria provided, multiple submitters, no conflicts (2 of 4 stars). 2 submissions from 2 submitters: Uncertain significance (2). Last evaluated 2025-08-11.

Conditions:
Hereditary cancer-predisposing syndrome. Also called: Hereditary Cancer Syndrome; Tumor predisposition; Neoplastic Syndromes, Hereditary; Hereditary neoplastic syndrome. Identifiers: Orphanet 140162, MedGen C0027672, MeSH D009386, MONDO:0015356.
Tuberous sclerosis 2 (TSC2). Identifiers: Orphanet 805, MedGen C1860707, MONDO:0013199, OMIM 613254.

Submissions (2):

Labcorp Genetics (formerly Invitae), Labcorp
Classification: Uncertain significance for Tuberous sclerosis 2. Last evaluated: 2025-08-11. Review status: criteria provided, single submitter. Criteria: Invitae Variant Classification Sherloc (09022015). Collection method: clinical testing. Allele origin: germline.
Comment: This sequence change replaces threonine, which is neutral and polar, with serine, which is neutral and polar, at codon 1393 of the TSC2 protein (p.Thr1393Ser). This variant is not present in population databases (gnomAD no frequency). This variant has not been reported in the literature in individuals affected with TSC2-related conditions. ClinVar contains an entry for this variant (Variation ID: 3232163). Invitae Evidence Modeling of protein sequence and biophysical properties (such as structural, functional, and spatial information, amino acid conservation, physicochemical variation, residue mobility, and thermodynamic stability) indicates that this missense variant is not expected to disrupt TSC2 protein function with a negative predictive value of 95%. In summary, the available evidence is currently insufficient to determine the role of this variant in disease. Therefore, it has been classified as a Variant of Uncertain Significance.

Ambry Genetics
Classification: Uncertain significance for Hereditary cancer-predisposing syndrome. Last evaluated: 2023-12-23. Review status: criteria provided, single submitter. Criteria: Ambry Variant Classification Scheme 2023. Collection method: clinical testing. Allele origin: germline.
Comment: The p.T1393S variant (also known as c.4177A>T), located in coding exon 33 of the TSC2 gene, results from an A to T substitution at nucleotide position 4177. The threonine at codon 1393 is replaced by serine, an amino acid with similar properties. This amino acid position is conserved. In addition, this alteration is predicted to be deleterious by in silico analysis. Since supporting evidence is limited at this time, the clinical significance of this alteration remains unclear.

NM_000548.5(TSC2):c.4177A>T (p.Thr1393Ser)

Gene: TSC2 (TSC complex subunit 2; plus strand). Cytogenetic location: 16p13.3.
Variant type: single nucleotide variant.
Coding change: c.4177A>T on transcript NM_000548.5 (MANE Select); coding-DNA position 4177, A replaced by T.
Protein change: p.Thr1393Ser; replaces threonine 1393 with serine.
Molecular consequence: missense variant. On other transcripts: non-coding transcript variant (5).
Genome position (GRCh38, 1-based): chr16:2,084,399, A>T. VCF-style: chr16-2084399-A-T. GRCh37 (hg19) VCF-style: chr16-2134400-A-T.
Other names: c.3976A>T, p.Thr1326Ser (NM_001077183.3); c.4108A>T, p.Thr1370Ser (NM_001114382.3); c.3868A>T, p.Thr1290Ser (NM_001318827.2); c.3832A>T, p.Thr1278Ser (NM_001318829.2); c.3445A>T, p.Thr1149Ser (NM_001318831.2); c.4009A>T, p.Thr1337Ser (NM_001318832.2); c.3979A>T, p.Thr1327Ser (NM_001363528.2); c.4045A>T, p.Thr1349Ser (NM_001370404.1); and 26 more; short protein forms T1126S, T1127S, T1149S, T1169S, T1170S, T1173S, T1193S, T1277S.
Identifiers: ClinVar variation 3232163 (VCV003232163.2), dbSNP rs2151526138, ClinGen allele CA394299786.